The following is an entry in ClinVar:

NM_032043.3(BRIP1):c.93+4A>T

Gene: BRIP1 (BRCA1 interacting DNA helicase 1; minus strand). Cytogenetic location: 17q23.2.
Variant type: single nucleotide variant.
Coding change: c.93+4A>T on transcript NM_032043.3 (MANE Select); 4 bases into the intron after coding-DNA position 93, A replaced by T.
Molecular consequence: intron variant.
Genome position (GRCh38, 1-based): chr17:61,861,443, T>A on the plus strand (A>T on the coding strand, the complement: BRIP1 is on the minus strand). VCF-style: chr17-61861443-T-A. GRCh37 (hg19) VCF-style: chr17-59938804-T-A.
Identifiers: ClinVar variation 2017699 (VCV002017699.5), dbSNP rs2145863376, ClinGen allele CA2580094655.

ClinVar aggregate classification (germline): Uncertain significance (1 of 4 stars; one submission).

Conditions:
Familial cancer of breast. Also called: hereditary breast carcinoma; BREAST CANCER, FAMILIAL; Hereditary breast cancer. Identifiers: Orphanet 227535, MedGen C0346153, MONDO:0016419, OMIM 114480. Disease mechanism: loss of function.
Fanconi anemia complementation group J. Also called: BRIP1-Related Fanconi Anemia. Identifiers: Orphanet 84, MedGen C1836860, MONDO:0012187, OMIM 609054.

Submission:

Labcorp Genetics (formerly Invitae), Labcorp
Classification: Uncertain significance for Familial cancer of breast; Fanconi anemia complementation group J. Last evaluated: 2025-04-20. Review status: criteria provided, single submitter. Criteria: Invitae Variant Classification Sherloc (09022015). Collection method: clinical testing. Allele origin: germline.
Comment: This sequence change falls in intron 2 of the BRIP1 gene. It does not directly change the encoded amino acid sequence of the BRIP1 protein. It affects a nucleotide within the consensus splice site. This variant is not present in population databases (gnomAD no frequency). This variant has not been reported in the literature in individuals affected with BRIP1-related conditions. ClinVar contains an entry for this variant (Variation ID: 2017699). Variants that disrupt the consensus splice site are a relatively common cause of aberrant splicing (PMID: 17576681, 9536098). Algorithms developed to predict the effect of sequence changes on RNA splicing suggest that this variant may disrupt the consensus splice site. In summary, the available evidence is currently insufficient to determine the role of this variant in disease. Therefore, it has been classified as a Variant of Uncertain Significance.

Literature cited by the submitters: PubMed 17576681; PubMed 9536098.